The following is an entry in ClinVar:

ClinVar aggregate classification (germline): Uncertain significance (1 of 4 stars; one submission).

Submission:

Labcorp Genetics (formerly Invitae), Labcorp
Classification: Uncertain significance. Last evaluated: 2023-01-16. Review status: criteria provided, single submitter. Criteria: Invitae Variant Classification Sherloc (09022015). Collection method: clinical testing. Allele origin: germline.
Comment: This variant has not been reported in the literature in individuals affected with RAI1-related conditions. This variant is not present in population databases (gnomAD no frequency). This sequence change replaces proline, which is neutral and non-polar, with histidine, which is basic and polar, at codon 1597 of the RAI1 protein (p.Pro1597His). Advanced modeling of protein sequence and biophysical properties (such as structural, functional, and spatial information, amino acid conservation, physicochemical variation, residue mobility, and thermodynamic stability) performed at Invitae indicates that this missense variant is expected to disrupt RAI1 protein function. In summary, the available evidence is currently insufficient to determine the role of this variant in disease. Therefore, it has been classified as a Variant of Uncertain Significance.

NM_030665.4(RAI1):c.4790C>A (p.Pro1597His)

Gene: RAI1 (retinoic acid induced 1; plus strand). Cytogenetic location: 17p11.2.
Variant type: single nucleotide variant.
Coding change: c.4790C>A on transcript NM_030665.4 (MANE Select); coding-DNA position 4790, C replaced by A.
Protein change: p.Pro1597His; replaces proline 1597 with histidine.
Molecular consequence: missense variant.
Genome position (GRCh38, 1-based): chr17:17,797,738, C>A. VCF-style: chr17-17797738-C-A. GRCh37 (hg19) VCF-style: chr17-17701052-C-A.
Other names: short protein forms P1597H.
Identifiers: ClinVar variation 2829224 (VCV002829224.3), dbSNP rs2543622397, ClinGen allele CA398557493.